The following is an entry in ClinVar:

ClinVar aggregate classification (germline): Likely benign (1 of 4 stars; one submission).

Conditions:
Cone-rod synaptic disorder, congenital nonprogressive. Also called: NIGHT BLINDNESS, CONGENITAL STATIONARY, INCOMPLETE, AUTOSOMAL RECESSIVE. Identifiers: Orphanet 215, MedGen C4041558, MONDO:0012490, OMIM 610427.

Allele frequency attached by ClinVar (database versions not stated): gnomAD 0.00005 and 0.00007; TOPMed 0.00029; 1000 Genomes Project 30x 0.00047; 1000 Genomes Project 0.00060.

Submission:

Illumina Laboratory Services, Illumina
Classification: Likely benign for Cone-rod synaptic disorder, congenital nonprogressive. Last evaluated: 2018-01-12. Review status: criteria provided, single submitter. Criteria: ICSL Variant Classification Criteria 13 December 2019. Collection method: clinical testing. Allele origin: germline.
Comment: This variant was observed in the ICSL laboratory as part of a predisposition screen in an ostensibly healthy population. It had not been previously curated by ICSL or reported in the Human Gene Mutation Database (HGMD: prior to June 1st, 2018), and was therefore a candidate for classification through an automated scoring system. Utilizing variant allele frequency, disease prevalence and penetrance estimates, and inheritance mode, an automated score was calculated to assess if this variant is too frequent to cause the disease. Based on the score and internal cut-off values, a variant classified as likely benign is not then subjected to further curation. The score for this variant resulted in a classification of likely benign for this disease.

NM_145200.5(CABP4):c.*2716T>C

Gene: CABP4 (calcium binding protein 4; plus strand). Cytogenetic location: 11q13.2.
Variant type: single nucleotide variant.
Coding change: c.*2716T>C on transcript NM_145200.5 (MANE Select); 2716 bases downstream of the stop codon, T replaced by C.
Molecular consequence: 3 prime UTR variant. On other transcripts: non-coding transcript variant (1).
Genome position (GRCh38, 1-based): chr11:67,461,375, T>C. VCF-style: chr11-67461375-T-C. GRCh37 (hg19) VCF-style: chr11-67228846-T-C.
Other names: c.*2716T>C (NM_001300895.3, NM_001300896.3, NM_001379183.1).
Identifiers: ClinVar variation 878241 (VCV000878241.4), dbSNP rs192454438, ClinGen allele CA224146875.